The following is an entry in ClinVar:

NM_001243133.2(NLRP3):c.1504A>G (p.Arg502Gly)

Gene: NLRP3 (NLR family pyrin domain containing 3; plus strand). Cytogenetic location: 1q44.
Variant type: single nucleotide variant.
Coding change: c.1504A>G on transcript NM_001243133.2 (MANE Select); coding-DNA position 1504, A replaced by G.
Protein change: p.Arg502Gly; replaces arginine 502 with glycine.
Molecular consequence: missense variant.
Genome position (GRCh38, 1-based): chr1:247,424,953, A>G. VCF-style: chr1-247424953-A-G. GRCh37 (hg19) VCF-style: chr1-247588255-A-G.
Other names: c.1504A>G, p.Arg502Gly (NM_001079821.3, NM_001127461.3, NM_001127462.3 and 1 more transcripts); c.1510A>G, p.Arg504Gly (NM_004895.5); short protein forms R502G, R504G.
Identifiers: ClinVar variation 1362590 (VCV001362590.6), dbSNP rs1662756609, ClinGen allele CA345557032.

ClinVar aggregate classification (germline): Uncertain significance (1 of 4 stars; one submission).

Conditions:
Cryopyrin associated periodic syndrome (CAPS). Identifiers: Orphanet 208650, MedGen C2316212, MONDO:0016168.

Allele frequency attached by ClinVar (database versions not stated): gnomAD exomes below 0.00001; gnomAD 0.00001; TOPMed 0.00002.
gnomAD v4.1: 4 of 1,613,994 alleles (0.00025%); highest among the groups gnomAD compares: Admixed American, 0.0033%; no homozygotes.

Submission:

Labcorp Genetics (formerly Invitae), Labcorp
Classification: Uncertain significance for Cryopyrin associated periodic syndrome. Last evaluated: 2021-12-25. Review status: criteria provided, single submitter. Criteria: Invitae Variant Classification Sherloc (09022015). Collection method: clinical testing. Allele origin: germline.
Comment: In summary, the available evidence is currently insufficient to determine the role of this variant in disease. Therefore, it has been classified as a Variant of Uncertain Significance. Algorithms developed to predict the effect of missense changes on protein structure and function (SIFT, PolyPhen-2, Align-GVGD) all suggest that this variant is likely to be tolerated. This variant has not been reported in the literature in individuals affected with NLRP3-related conditions. This variant is not present in population databases (gnomAD no frequency). This sequence change replaces arginine, which is basic and polar, with glycine, which is neutral and non-polar, at codon 504 of the NLRP3 protein (p.Arg504Gly).